The following is an entry in ClinVar:

NM_000548.5(TSC2):c.36G>T (p.Lys12Asn)

Gene: TSC2 (TSC complex subunit 2; plus strand). Cytogenetic location: 16p13.3.
Variant type: single nucleotide variant.
Coding change: c.36G>T on transcript NM_000548.5 (MANE Select); coding-DNA position 36, G replaced by T.
Protein change: p.Lys12Asn; replaces lysine 12 with asparagine.
Molecular consequence: missense variant. On other transcripts: 5 prime UTR variant (1), intron variant (1).
Genome position (GRCh38, 1-based): chr16:2,048,651, G>T. VCF-style: chr16-2048651-G-T. GRCh37 (hg19) VCF-style: chr16-2098652-G-T.
Other names: c.36G>T, p.Lys12Asn (NM_001077183.3, NM_001114382.3, NM_001318827.2 and 4 more transcripts); c.-191G>T (NM_001318831.2); c.69G>T, p.Lys23Asn (NM_001318832.2); c.-10+586G>T (NM_001318829.2); short protein forms K12N, K23N.
Identifiers: ClinVar variation 824096 (VCV000824096.5), dbSNP rs1596233951, ClinGen allele CA394300841.
Genomic context (GRCh38, chr16:2,048,651, plus strand): 5'-GTTTTCTGGTGCGTCCTGGTCCACCATGGCCAAACCAACAAGCAAAGATTCAGGCTTGAA[G>T]GAGAAGTTTAAGATTCTGTTGGGACTGGGAACACCGAGGCCAAATCCCAGGTCTGCAGAG-3'
Protein context (NP_000539.2, residues 2-22): AKPTSKDSGL[Lys12Asn]EKFKILLGLG

ClinVar aggregate classification (germline): Uncertain significance. Review status: criteria provided, multiple submitters, no conflicts (2 of 4 stars). 2 submissions from 2 submitters: Uncertain significance (2). Last evaluated 2025-04-13.

Conditions:
Tuberous sclerosis 2 (TSC2). Identifiers: Orphanet 805, MedGen C1860707, MONDO:0013199, OMIM 613254.
Hereditary cancer-predisposing syndrome. Also called: Neoplastic Syndromes, Hereditary; Hereditary Cancer Syndrome; Hereditary neoplastic syndrome; Tumor predisposition. Identifiers: Orphanet 140162, MedGen C0027672, MeSH D009386, MONDO:0015356.

Submissions (2):

Labcorp Genetics (formerly Invitae), Labcorp
Classification: Uncertain significance for Tuberous sclerosis 2. Last evaluated: 2025-04-13. Review status: criteria provided, single submitter. Criteria: Invitae Variant Classification Sherloc (09022015). Collection method: clinical testing. Allele origin: germline.
Comment: This sequence change replaces lysine, which is basic and polar, with asparagine, which is neutral and polar, at codon 12 of the TSC2 protein (p.Lys12Asn). This variant is not present in population databases (gnomAD no frequency). This variant has not been reported in the literature in individuals affected with TSC2-related conditions. ClinVar contains an entry for this variant (Variation ID: 824096). Invitae Evidence Modeling of protein sequence and biophysical properties (such as structural, functional, and spatial information, amino acid conservation, physicochemical variation, residue mobility, and thermodynamic stability) indicates that this missense variant is not expected to disrupt TSC2 protein function with a negative predictive value of 95%. In summary, the available evidence is currently insufficient to determine the role of this variant in disease. Therefore, it has been classified as a Variant of Uncertain Significance.

Ambry Genetics
Classification: Uncertain significance for Hereditary cancer-predisposing syndrome. Last evaluated: 2019-01-25. Review status: criteria provided, single submitter. Criteria: Ambry Variant Classification Scheme 2023. Collection method: clinical testing. Allele origin: germline.
Comment: The p.K12N variant (also known as c.36G>T), located in coding exon 1 of the TSC2 gene, results from a G to T substitution at nucleotide position 36. The lysine at codon 12 is replaced by asparagine, an amino acid with similar properties. This amino acid position is well conserved in available vertebrate species. In addition, the in silico prediction for this alteration is inconclusive. Since supporting evidence is limited at this time, the clinical significance of this alteration remains unclear.